The following is an entry in ClinVar:

ClinVar aggregate classification (germline): Likely benign. Review status: criteria provided, multiple submitters, no conflicts (2 of 4 stars). 3 submissions from 3 submitters: Likely benign (3). Last evaluated 2026-01-30.

Conditions:
Ullrich congenital muscular dystrophy 2 (UCMD2). Identifiers: Orphanet 75840, MedGen C4225314, MONDO:0014654, OMIM 616470.
Bethlem myopathy 2 (BTHLM2). Identifiers: Orphanet 536516, Orphanet 610, MedGen C4225313, MONDO:0034022, OMIM 616471.

Allele frequency attached by ClinVar (database versions not stated): ExAC 0.00003; gnomAD 0.00038 and 0.00039; gnomAD exomes 0.00002 and 0.00004.

Submissions (3):

Labcorp Genetics (formerly Invitae), Labcorp
Classification: Likely benign for Bethlem myopathy 2; Ullrich congenital muscular dystrophy 2. Last evaluated: 2026-01-30. Review status: criteria provided, single submitter. Criteria: Invitae Variant Classification Sherloc (09022015). Collection method: clinical testing. Allele origin: germline.

Mayo Clinic Laboratories, Mayo Clinic
Classification: Likely benign. Last evaluated: 2025-08-07. Review status: criteria provided, single submitter. Criteria: ACMG Guidelines, 2015. Collection method: clinical testing. Allele origin: germline. Observed: 1 variant allele.
Comment: BS1, BP4, BP7

GeneDx
Classification: Likely benign. Last evaluated: 2022-08-31. Review status: criteria provided, single submitter. Criteria: GeneDx Variant Classification Process June 2021. Collection method: clinical testing. Allele origin: germline. Affected: yes.
Comment: See Variant Classification Assertion Criteria.

NM_004370.6(COL12A1):c.1892-7_1892-6del

Gene: COL12A1 (collagen type XII alpha 1 chain; minus strand). Cytogenetic location: 6q13.
Variant type: Deletion.
Coding change: c.1892-7_1892-6del on transcript NM_004370.6 (MANE Select); 7 bases into the intron before coding-DNA position 1892 through 6 bases into the intron before coding-DNA position 1892, 2 bases deleted (TA; older notation c.1892-7_1892-6delTA).
Molecular consequence: intron variant.
Genome position (GRCh38, 1-based): chr6:75,181,217-75,181,218, TA deleted on the plus strand (TA on the coding strand, the reverse complement: COL12A1 is on the minus strand). VCF-style (leftmost placement, unchanged base first): chr6-75181216-TTA-T. GRCh37 (hg19) VCF-style: chr6-75890932-TTA-T.
Other names: p.?; c.73+21502_73+21503del (NM_080645.3).
Identifiers: ClinVar variation 1151950 (VCV001151950.14), dbSNP rs1491398037, ClinGen allele CA3894100.